The following is an entry in ClinVar:

NM_000478.6(ALPL):c.1156G>C (p.Gly386Arg)

Gene: ALPL (alkaline phosphatase, biomineralization associated; plus strand). Cytogenetic location: 1p36.12.
Variant type: single nucleotide variant.
Coding change: c.1156G>C on transcript NM_000478.6 (MANE Select); coding-DNA position 1156, G replaced by C.
Protein change: p.Gly386Arg; replaces glycine 386 with arginine.
Molecular consequence: missense variant.
Genome position (GRCh38, 1-based): chr1:21,575,891, G>C. VCF-style: chr1-21575891-G-C. GRCh37 (hg19) VCF-style: chr1-21902384-G-C.
Other names: c.991G>C, p.Gly331Arg (NM_001127501.4); c.925G>C, p.Gly309Arg (NM_001177520.3); c.1156G>C, p.Gly386Arg (NM_001369803.2, NM_001369804.2, NM_001369805.2); short protein forms G309R, G331R, G386R.
Identifiers: ClinVar variation 3256537 (VCV003256537.2).

ClinVar aggregate classification (germline): Likely pathogenic. Review status: criteria provided, multiple submitters, no conflicts (2 of 4 stars). 2 submissions from 2 submitters: Likely pathogenic (2). Last evaluated 2025-08-29.

Conditions:
Hypophosphatasia. Also called: Phosphoethanol-aminuria. Identifiers: Orphanet 436, MedGen C0020630, MeSH D007014, MONDO:0018570.

Submissions (2):

Genomenon, Inc
Classification: Likely pathogenic for Hypophosphatasia. Last evaluated: 2025-08-29. Review status: criteria provided, single submitter. Criteria: Genomenon Sequence Variant Interpretation Standards. Collection method: curation. Allele origin: germline. Affected: yes.
Comment: ALPL Gly386Arg (c.1156G>C) is a missense variant that changes the amino acid at residue 386 from Glycine to Arginine. This variant has been observed in at least one proband affected with hypophosphatasia (PMID:38884565). It is absent or not present at a significant frequency in gnomAD. In silico models agree that this variant is possibly or probably damaging. The presence of pathogenic missense variant(s) at the same amino acid position indicates that this residue is likely important for protein function. In conclusion, we classify ALPL p.Gly386Arg (c.1156G>C) as a likely pathogenic variant.

JKU Lab, Dept of Paediatrics, Johannes Kepler University
Classification: Likely pathogenic for Hypophosphatasia. Last evaluated: 2024-06-11. Review status: criteria provided, single submitter. Criteria: ACMG Guidelines, 2015. Collection method: clinical testing. Allele origin: germline. Affected: yes.
Comment: The variant is absent from GnomAD. The ACMG criteria applied can be looked up in the ALPL gene variant database.

Literature cited by the submitters: PubMed 38884565 (cited by Genomenon, Inc).